The following is an entry in ClinVar:

NM_001270.4(CHD1):c.2867+8del

Gene: CHD1 (chromodomain helicase DNA binding protein 1; minus strand). Cytogenetic location: 5q15.
Variant type: Deletion.
Coding change: c.2867+8del on transcript NM_001270.4 (MANE Select); 8 bases into the intron after coding-DNA position 2867, one base deleted (C; older notation c.2867+8delC).
Molecular consequence: intron variant.
Genome position (GRCh38, 1-based): chr5:98,881,967, G deleted on the plus strand (C on the coding strand, the reverse complement: CHD1 is on the minus strand). VCF-style (leftmost placement, unchanged base first): chr5-98881966-AG-A. GRCh37 (hg19) VCF-style: chr5-98217670-AG-A.
Other names: c.2867+8del (NM_001376194.2, NM_001364113.3); c.2867+8delC (NM_001270.2).
Identifiers: ClinVar variation 4971568 (VCV004971568.2).
Genomic context (GRCh38, chr5:98,881,966, plus strand): 5'-GATGTAACATATCAAAAATATGAGTTTACTGACTCTAAAATGACATTTTTTTAATAATCA[AG>A]TAACCACCTTGATGGGGCAGAACCTGTATGTAGTACTGTCTTCCCAGTTGTGTCCATTCT-3'

ClinVar aggregate classification (germline): Likely benign. Review status: criteria provided, multiple submitters, no conflicts (2 of 4 stars). 2 submissions from 2 submitters: Likely benign (2). Last evaluated 2025-05-14.

Conditions:
CHD1-related disorder. Also called: CHD1-related condition.

Submissions (2):

PreventionGenetics, part of Exact Sciences
Classification: Likely benign for CHD1-related condition. Last evaluated: 2025-05-14. Review status: criteria provided, single submitter. Criteria: ACMG Guidelines, 2015. Collection method: clinical testing. Allele origin: germline.
Comment: This variant is classified as likely benign based on ACMG/AMP sequence variant interpretation guidelines (Richards et al. 2015 PMID: 25741868, with internal and published modifications).

Blueprint Genetics
Classification: Likely benign. Last evaluated: 2022-11-14. Review status: criteria provided, single submitter. Criteria: ACMG Guidelines, 2015. Collection method: clinical testing. Allele origin: germline.